The following is an entry in ClinVar:

NM_019108.4(SMG9):c.882C>T (p.Asn294=)

Gene: SMG9 (SMG9 nonsense mediated mRNA decay factor; minus strand). Cytogenetic location: 19q13.31.
Variant type: single nucleotide variant.
Coding change: c.882C>T on transcript NM_019108.4 (MANE Select); coding-DNA position 882, C replaced by T.
Protein change: p.Asn294=; no amino-acid change (asparagine 294 retained).
Molecular consequence: synonymous variant.
Genome position (GRCh38, 1-based): chr19:43,738,149, G>A on the plus strand (C>T on the coding strand, the complement: SMG9 is on the minus strand). VCF-style: chr19-43738149-G-A. GRCh37 (hg19) VCF-style: chr19-44242301-G-A.
Identifiers: ClinVar variation 4681419 (VCV004681419.5).

ClinVar aggregate classification (germline): Likely benign (1 of 4 stars; one submission).

gnomAD v4.1: 40 of 1,614,032 alleles (0.0025%); highest among the groups gnomAD compares: Admixed American, 0.037%; no homozygotes.

Submission:

CeGaT Center for Human Genetics Tuebingen
Classification: Likely benign. Last evaluated: 2025-11-01. Review status: criteria provided, single submitter. Criteria: CeGaT Center For Human Genetics Tuebingen Variant Classification Criteria Version 2. Collection method: clinical testing. Allele origin: germline. Affected: yes. Observed: 1 variant allele.
Comment: SMG9: BP4, BP7